The following is an entry in ClinVar:

ClinVar aggregate classification (germline): Uncertain significance (1 of 4 stars; one submission).

Conditions:
Arrhythmogenic cardiomyopathy with wooly hair and keratoderma. Also called: Dilated cardiomyopathy with woolly hair and keratoderma; Arrhythmogenic cardiomyopathy with woolly hair and keratoderma; Carvajal syndrome; PALMOPLANTAR KERATODERMA WITH LEFT VENTRICULAR CARDIOMYOPATHY AND WOOLLY HAIR. Identifiers: Orphanet 65282, MedGen C1854063, MONDO:0011581, OMIM 605676.
Arrhythmogenic right ventricular dysplasia 8 (ARVD8). Also called: Arrhythmogenic Right Ventricular Dysplasia/Cardiomyopathy 8; ARRHYTHMOGENIC RIGHT VENTRICULAR DYSPLASIA, FAMILIAL, 8; ARRHYTHMOGENIC RIGHT VENTRICULAR CARDIOMYOPATHY 8. Identifiers: MedGen C1843896, MONDO:0011831, OMIM 607450.

Submission:

Labcorp Genetics (formerly Invitae), Labcorp
Classification: Uncertain significance for Arrhythmogenic cardiomyopathy with wooly hair and keratoderma; Arrhythmogenic right ventricular dysplasia 8. Last evaluated: 2022-07-17. Review status: criteria provided, single submitter. Criteria: Invitae Variant Classification Sherloc (09022015). Collection method: clinical testing. Allele origin: germline.
Comment: In summary, the available evidence is currently insufficient to determine the role of this variant in disease. Therefore, it has been classified as a Variant of Uncertain Significance. Algorithms developed to predict the effect of missense changes on protein structure and function (SIFT, PolyPhen-2, Align-GVGD) all suggest that this variant is likely to be tolerated. This variant has not been reported in the literature in individuals affected with DSP-related conditions. This variant is not present in population databases (gnomAD no frequency). This sequence change replaces methionine, which is neutral and non-polar, with valine, which is neutral and non-polar, at codon 2122 of the DSP protein (p.Met2122Val).

NM_004415.4(DSP):c.6364A>G (p.Met2122Val)

Gene: DSP (desmoplakin; plus strand). Cytogenetic location: 6p24.3.
Variant type: single nucleotide variant.
Coding change: c.6364A>G on transcript NM_004415.4 (MANE Select); coding-DNA position 6364, A replaced by G.
Protein change: p.Met2122Val; replaces methionine 2122 with valine.
Molecular consequence: missense variant.
Genome position (GRCh38, 1-based): chr6:7,583,626, A>G. VCF-style: chr6-7583626-A-G. GRCh37 (hg19) VCF-style: chr6-7583859-A-G.
Other names: c.4567A>G, p.Met1523Val (NM_001008844.3); c.5035A>G, p.Met1679Val (NM_001319034.2); short protein forms M2122V, M1523V, M1679V.
Identifiers: ClinVar variation 1901094 (VCV001901094.5), dbSNP rs2533940641, ClinGen allele CA362690643.